The following is an entry in ClinVar:

ClinVar aggregate classification (germline): Uncertain significance. Review status: criteria provided, multiple submitters, no conflicts (2 of 4 stars). 2 submissions from 2 submitters: Uncertain significance (2). Last evaluated 2023-10-19.

gnomAD v4.1: 4 of 1,210,401 alleles (0.00033%); highest among the groups gnomAD compares: Non-Finnish European, 0.00045%; no homozygotes.

Submissions (2):

GeneDx
Classification: Uncertain significance. Last evaluated: 2023-10-19. Review status: criteria provided, single submitter. Criteria: GeneDx Variant Classification Process June 2021. Collection method: clinical testing. Allele origin: germline. Affected: yes.
Comment: Not observed at significant frequency in large population cohorts (gnomAD); In silico analysis supports that this missense variant has a deleterious effect on protein structure/function; Has not been previously published as pathogenic or benign to our knowledge

Greenwood Genetic Center Diagnostic Laboratories, Greenwood Genetic Center
Classification: Uncertain significance. Last evaluated: 2023-06-19. Review status: criteria provided, single submitter. Criteria: ACMG Guidelines, 2015. Collection method: clinical testing. Allele origin: germline. Affected: yes.
Comment: PM2

NM_000284.4(PDHA1):c.1043A>T (p.Asp348Val)

Gene: PDHA1 (pyruvate dehydrogenase E1 subunit alpha 1; plus strand). Cytogenetic location: Xp22.12.
Variant type: single nucleotide variant.
Coding change: c.1043A>T on transcript NM_000284.4 (MANE Select); coding-DNA position 1043, A replaced by T.
Protein change: p.Asp348Val; replaces aspartic acid 348 with valine.
Molecular consequence: missense variant.
Genome position (GRCh38, 1-based): chrX:19,359,523, A>T. VCF-style: chrX-19359523-A-T. GRCh37 (hg19) VCF-style: chrX-19377641-A-T.
Other names: c.1157A>T, p.Asp386Val (NM_001173454.2); c.1064A>T, p.Asp355Val (NM_001173455.2); c.950A>T, p.Asp317Val (NM_001173456.2); c.1043A>T (NM_000284.3); short protein forms D317V, D348V, D355V, D386V.
Identifiers: ClinVar variation 2572280 (VCV002572280.2), dbSNP rs1369790452, ClinGen allele CA412396512.